The following is an entry in ClinVar:

NM_015047.3(EMC1):c.602A>G (p.Lys201Arg)

Gene: EMC1 (ER membrane protein complex subunit 1; minus strand). Cytogenetic location: 1p36.13.
Variant type: single nucleotide variant.
Coding change: c.602A>G on transcript NM_015047.3 (MANE Select); coding-DNA position 602, A replaced by G.
Protein change: p.Lys201Arg; replaces lysine 201 with arginine.
Molecular consequence: missense variant.
Genome position (GRCh38, 1-based): chr1:19,241,050, T>C on the plus strand (A>G on the coding strand, the complement: EMC1 is on the minus strand). VCF-style: chr1-19241050-T-C. GRCh37 (hg19) VCF-style: chr1-19567544-T-C.
Other names: c.602A>G, p.Lys201Arg (NM_001271427.2, NM_001271428.2, NM_001375820.1 and 1 more transcripts); c.536A>G, p.Lys179Arg (NM_001271429.2); c.602A>G (NM_015047.1); short protein forms K179R, K201R.
Identifiers: ClinVar variation 954348 (VCV000954348.11), dbSNP rs201268650, ClinGen allele CA652850.

ClinVar aggregate classification (germline): Uncertain significance. Review status: criteria provided, multiple submitters, no conflicts (2 of 4 stars). 5 submissions from 5 submitters: Uncertain significance (4). 1 of the submissions does not count toward it. Last evaluated 2026-08-03.

Conditions:
EMC1-related disorder. Also called: EMC1-related condition.
Inborn genetic diseases. Identifiers: MedGen C0950123, MeSH D030342.
Retinal dystrophy. Also called: Inherited retinal dystrophy. Identifiers: Orphanet 71862, MedGen C0854723, MeSH D058499, MONDO:0019118, HP:0000556.

Allele frequency attached by ClinVar (database versions not stated): gnomAD 0.00003; gnomAD exomes 0.00003 and 0.00005; TOPMed 0.00003; ExAC 0.00005.
gnomAD v4.1: 53 of 1,614,028 alleles (0.0033%); highest among the groups gnomAD compares: Admixed American, 0.015%; no homozygotes.

Submissions (5):

PreventionGenetics, part of Exact Sciences
Classification: Uncertain significance for EMC1-related condition. Last evaluated: 2026-08-03. Review status: criteria provided, single submitter. Criteria: ACMG Guidelines, 2015. Collection method: clinical testing. Allele origin: germline.
Comment: The EMC1 c.602A>G variant is predicted to result in the amino acid substitution p.Lys201Arg. To our knowledge, this variant has not been reported in the literature. This variant is reported in 0.014% of alleles in individuals of Latino descent in gnomAD. At this time, the clinical significance of this variant is uncertain due to the absence of conclusive functional and genetic evidence.

Labcorp Genetics (formerly Invitae), Labcorp
Classification: Uncertain significance. Last evaluated: 2025-10-10. Review status: criteria provided, single submitter. Criteria: Invitae Variant Classification Sherloc (09022015). Collection method: clinical testing. Allele origin: germline.
Comment: This sequence change replaces lysine, which is basic and polar, with arginine, which is basic and polar, at codon 201 of the EMC1 protein (p.Lys201Arg). This variant is present in population databases (rs201268650, gnomAD 0.01%). This variant has not been reported in the literature in individuals affected with EMC1-related conditions. ClinVar contains an entry for this variant (Variation ID: 954348). Invitae Evidence Modeling of protein sequence and biophysical properties (such as structural, functional, and spatial information, amino acid conservation, physicochemical variation, residue mobility, and thermodynamic stability) indicates that this missense variant is not expected to disrupt EMC1 protein function with a negative predictive value of 80%. In summary, the available evidence is currently insufficient to determine the role of this variant in disease. Therefore, it has been classified as a Variant of Uncertain Significance.

Ambry Genetics
Classification: Uncertain significance for Inborn genetic diseases. Last evaluated: 2025-09-26. Review status: criteria provided, single submitter. Criteria: Ambry Variant Classification Scheme 2023. Collection method: clinical testing. Allele origin: germline.

Blueprint Genetics
Classification: Uncertain significance. Last evaluated: 2021-07-20. Review status: criteria provided, single submitter. Criteria: ACMG Guidelines, 2015. Collection method: clinical testing. Allele origin: germline.

Institute of Human Genetics, Univ. Regensburg, Univ. Regensburg
Classification: Uncertain significance for Retinal dystrophy. Last evaluated: 2022-01-01. Review status: no assertion criteria provided. Criteria: ACMG Guidelines, 2015. Collection method: clinical testing. Allele origin: germline. Affected: yes. Not counted in ClinVar's aggregate classification.